The following is an entry in ClinVar:

ClinVar aggregate classification (germline): Uncertain significance (1 of 4 stars; one submission).

Submission:

GeneDx
Classification: Uncertain significance. Last evaluated: 2023-12-14. Review status: criteria provided, single submitter. Criteria: GeneDx Variant Classification Process June 2021. Collection method: clinical testing. Allele origin: germline. Affected: yes.
Comment: Reported in a heterozygous relative of a patient with hearing loss in published literature (PMID: 19930154); Not observed at significant frequency in large population cohorts (gnomAD); In silico analysis supports that this missense variant has a deleterious effect on protein structure/function; This variant is associated with the following publications: (PMID: 33919129, 21193157, 19930154)

NM_000307.5(POU3F4):c.708G>T (p.Glu236Asp)

Gene: POU3F4 (POU class 3 homeobox 4; plus strand). Cytogenetic location: Xq21.1.
Variant type: single nucleotide variant.
Coding change: c.708G>T on transcript NM_000307.5 (MANE Select); coding-DNA position 708, G replaced by T.
Protein change: p.Glu236Asp; replaces glutamic acid 236 with aspartic acid.
Molecular consequence: missense variant.
Genome position (GRCh38, 1-based): chrX:83,509,032, G>T. VCF-style: chrX-83509032-G-T. GRCh37 (hg19) VCF-style: chrX-82764040-A-T.
Other names: short protein forms E236D.
Identifiers: ClinVar variation 3365527 (VCV003365527.1).